The following is an entry in ClinVar:

NM_001142459.2(ASB10):c.-67CT[10]

Gene: ASB10 (ankyrin repeat and SOCS box containing 10; minus strand). Cytogenetic location: 7q36.1.
Variant type: Microsatellite.
Coding change: c.-67CT[10] on transcript NM_001142459.2 (MANE Select); ten copies in a row of the 2-base unit CT starting at c.-67; the reference has nine copies in a row; one copy, 2 bases duplicated.
Molecular consequence: 5 prime UTR variant. On other transcripts: intron variant (1).
Genome position (GRCh38, 1-based): chr7:151,187,180-151,187,181, AG duplicated on the plus strand (CT on the coding strand, the reverse complement: ASB10 is on the minus strand); duplicating any 2 consecutive bases within chr7:151,187,180-151,187,197 gives the same sequence; the position shown is the placement nearest the transcript's 3' end. VCF-style (leftmost placement, unchanged base first): chr7-151187179-C-CAG. GRCh37 (hg19) VCF-style: chr7-150884266-C-CAG.
Other names: NM_001142459.1:c.-51_-50dupCT; c.-67CT[10] (NM_001142460.1); c.271+255CT[10] (NM_080871.4).
Identifiers: ClinVar variation 402398 (VCV000402398.5), dbSNP rs34383739, ClinGen allele CA4574025.
Genomic context (GRCh38, chr7:151,187,179, plus strand): 5'-ACTCATGAGCATGTGGGCAGGGAAAGGGGAGTGGGGAGGAGGAGAGGTATATGCCAAAGG[C>CAG]AGAGAGAGAGAGAGAGAGCAGGAGGGAAATACAGACAGACAGAAGGCCCCTGTGTCCCAC-3'

ClinVar aggregate classification (germline): Benign. Review status: criteria provided, multiple submitters, no conflicts (2 of 4 stars). 2 submissions from 2 submitters: Benign (2). Last evaluated 2019-08-15.

Submissions (2):

GeneDx
Classification: Benign. Last evaluated: 2019-08-15. Review status: criteria provided, single submitter. Criteria: GeneDx Variant Classification Process June 2021. Collection method: clinical testing. Allele origin: germline. Affected: yes.

Laboratory for Molecular Medicine, Mass General Brigham Personalized Medicine
Classification: Benign. Last evaluated: 2016-03-28. Review status: criteria provided, single submitter. Criteria: LMM Criteria. Collection method: clinical testing. Allele origin: germline.
Comment: Variant identified in a genome or exome case(s) and assessed due to predicted null impact of the variant or pathogenic assertions in the literature or databases. Disclaimer: This variant has not undergone full assessment. The following are preliminary notes: Frequency